The following is an entry in ClinVar:

NM_002485.5(NBN):c.2071-2A>T

Gene: NBN (nibrin; minus strand). Cytogenetic location: 8q21.3.
Variant type: single nucleotide variant.
Coding change: c.2071-2A>T on transcript NM_002485.5 (MANE Select); the canonical splice acceptor site of the intron before coding-DNA position 2071, A replaced by T.
Molecular consequence: splice acceptor variant.
Genome position (GRCh38, 1-based): chr8:89,943,368, T>A on the plus strand (A>T on the coding strand, the complement: NBN is on the minus strand). VCF-style: chr8-89943368-T-A. GRCh37 (hg19) VCF-style: chr8-90955596-T-A.
Other names: c.1825-2A>T (NM_001024688.3).
Identifiers: ClinVar variation 2754800 (VCV002754800.3), dbSNP rs775397477, ClinGen allele CA371675953.
Genomic context (GRCh38, chr8:89,943,368, plus strand): 5'-GCTATTAGATCTGATCCTCCAATGATGTGTGGAAGTTTTCCTGCTCCAGGATATGTGACC[T>A]ATTGAATAATAAAAGTAGTACAGTAAATCATATTAACAAACAAAAATGACCATTTTTTTA-3'

ClinVar aggregate classification (germline): Likely pathogenic (1 of 4 stars; one submission).

Conditions:
Microcephaly, normal intelligence and immunodeficiency (NBS). Also called: IMMUNODEFICIENCY, MICROCEPHALY, AND CHROMOSOMAL INSTABILITY; SEEMANOVA SYNDROME II; Immunodeficiency, microcephaly with normal intelligence; Nijmegen breakage syndrome; Microcephaly with normal intelligence immunodeficiency and lymphoreticular malignancies; Nonsyndromal microcephaly autosomal recessive with normal intelligence. Identifiers: Orphanet 647, MedGen C0398791, MONDO:0009623, OMIM 251260.

Submission:

Labcorp Genetics (formerly Invitae), Labcorp
Classification: Likely pathogenic for Microcephaly, normal intelligence and immunodeficiency. Last evaluated: 2023-08-24. Review status: criteria provided, single submitter. Criteria: Invitae Variant Classification Sherloc (09022015). Collection method: clinical testing. Allele origin: germline.
Comment: This sequence change affects an acceptor splice site in intron 13 of the NBN gene. It is expected to disrupt RNA splicing. Variants that disrupt the donor or acceptor splice site typically lead to a loss of protein function (PMID: 16199547), and loss-of-function variants in NBN are known to be pathogenic (PMID: 9590180, 16415040). This variant is not present in population databases (gnomAD no frequency). This variant has not been reported in the literature in individuals affected with NBN-related conditions. Algorithms developed to predict the effect of sequence changes on RNA splicing suggest that this variant may disrupt the consensus splice site. In summary, the currently available evidence indicates that the variant is pathogenic, but additional data are needed to prove that conclusively. Therefore, this variant has been classified as Likely Pathogenic.

Literature cited by the submitters: PubMed 16199547; PubMed 9590180; PubMed 16415040.